The following is an entry in ClinVar:

ClinVar aggregate classification (germline): Uncertain significance (1 of 4 stars; one submission).

Submission:

Labcorp Genetics (formerly Invitae), Labcorp
Classification: Uncertain significance. Last evaluated: 2022-10-18. Review status: criteria provided, single submitter. Criteria: Invitae Variant Classification Sherloc (09022015). Collection method: clinical testing. Allele origin: germline.
Comment: In summary, the available evidence is currently insufficient to determine the role of this variant in disease. Therefore, it has been classified as a Variant of Uncertain Significance. Algorithms developed to predict the effect of sequence changes on RNA splicing suggest that this variant may create or strengthen a splice site. ClinVar contains an entry for this variant (Variation ID: 1468863). This variant has not been reported in the literature in individuals affected with HOXB13-related conditions. This variant is not present in population databases (gnomAD no frequency). This sequence change creates a premature translational stop signal (p.Lys273*) in the HOXB13 gene. While this is not anticipated to result in nonsense mediated decay, it is expected to disrupt the last 12 amino acid(s) of the HOXB13 protein.

NM_006361.6(HOXB13):c.817A>T (p.Lys273Ter)

Gene: HOXB13 (homeobox B13; minus strand). Cytogenetic location: 17q21.32.
Variant type: single nucleotide variant.
Coding change: c.817A>T on transcript NM_006361.6 (MANE Select); coding-DNA position 817, A replaced by T.
Protein change: p.Lys273Ter; replaces lysine 273 with a stop codon.
Molecular consequence: nonsense.
Genome position (GRCh38, 1-based): chr17:48,726,828, T>A on the plus strand (A>T on the coding strand, the complement: HOXB13 is on the minus strand). VCF-style: chr17-48726828-T-A. GRCh37 (hg19) VCF-style: chr17-46804190-T-A.
Other names: short protein forms K273*.
Identifiers: ClinVar variation 1468863 (VCV001468863.8), dbSNP rs2143065346, ClinGen allele CA400105421.